The following is an entry in ClinVar:

NM_001242896.3(DEPDC5):c.1489T>C (p.Ser497Pro)

Gene: DEPDC5 (DEP domain containing 5, GATOR1 subcomplex subunit; plus strand). Cytogenetic location: 22q12.3.
Variant type: single nucleotide variant.
Coding change: c.1489T>C on transcript NM_001242896.3 (MANE Select); coding-DNA position 1489, T replaced by C.
Protein change: p.Ser497Pro; replaces serine 497 with proline.
Molecular consequence: missense variant. On other transcripts: non-coding transcript variant (5).
Genome position (GRCh38, 1-based): chr22:31,815,035, T>C. VCF-style: chr22-31815035-T-C. GRCh37 (hg19) VCF-style: chr22-32211021-T-C.
Other names: c.1489T>C, p.Ser497Pro (NM_001007188.4, NM_001136029.4, NM_001242897.2 and 7 more transcripts); c.1405T>C, p.Ser469Pro (NM_001369901.1, NM_001369902.1); short protein forms S497P, S469P.
Identifiers: ClinVar variation 969947 (VCV000969947.9), dbSNP rs1181000748, ClinGen allele CA411278091.
Genomic context (GRCh38, chr22:31,815,035, plus strand): 5'-TGTCTCTTGCCTGGCAGATCTGTGCGAGAGCGAGAGAGTCACAGTCGAAAGAGTGCCAGC[T>C]CCTGTGATGTTTCATCCAGCCCTTCCCTACCAAGCCGCACACTGCCCACTGAGGAAGTGA-3'
Protein context (NP_001229825.1, residues 487-507): RESHSRKSAS[Ser497Pro]CDVSSSPSLP

ClinVar aggregate classification (germline): Uncertain significance (1 of 4 stars; one submission).

Conditions:
Familial focal epilepsy with variable foci (FPEVF). Identifiers: Orphanet 98820, MedGen C1858477, MONDO:0020310.

Allele frequency attached by ClinVar (database versions not stated): gnomAD exomes below 0.00001; gnomAD 0.00001; TOPMed 0.00001.
gnomAD v4.1: 3 of 1,613,984 alleles (0.00019%); highest among the groups gnomAD compares: African/African-American, 0.0027%; no homozygotes.

Submission:

Labcorp Genetics (formerly Invitae), Labcorp
Classification: Uncertain significance for Familial focal epilepsy with variable foci. Last evaluated: 2024-05-08. Review status: criteria provided, single submitter. Criteria: Invitae Variant Classification Sherloc (09022015). Collection method: clinical testing. Allele origin: germline.
Comment: This sequence change replaces serine, which is neutral and polar, with proline, which is neutral and non-polar, at codon 497 of the DEPDC5 protein (p.Ser497Pro). This variant is present in population databases (no rsID available, gnomAD 0.01%). This variant has not been reported in the literature in individuals affected with DEPDC5-related conditions. ClinVar contains an entry for this variant (Variation ID: 969947). Experimental studies and prediction algorithms are not available or were not evaluated, and the functional significance of this variant is currently unknown. In summary, the available evidence is currently insufficient to determine the role of this variant in disease. Therefore, it has been classified as a Variant of Uncertain Significance.